The following is an entry in ClinVar:

NM_000760.4(CSF3R):c.203A>G (p.Glu68Gly)

Gene: CSF3R (colony stimulating factor 3 receptor; minus strand). Cytogenetic location: 1p34.3.
Variant type: single nucleotide variant.
Coding change: c.203A>G on transcript NM_000760.4 (MANE Select); coding-DNA position 203, A replaced by G.
Protein change: p.Glu68Gly; replaces glutamic acid 68 with glycine.
Molecular consequence: missense variant.
Genome position (GRCh38, 1-based): chr1:36,475,535, T>C on the plus strand (A>G on the coding strand, the complement: CSF3R is on the minus strand). VCF-style: chr1-36475535-T-C. GRCh37 (hg19) VCF-style: chr1-36941136-T-C.
Other names: c.203A>G, p.Glu68Gly (NM_156039.3, NM_172313.3); short protein forms E68G.
Identifiers: ClinVar variation 1430118 (VCV001430118.8), dbSNP rs2124136821, ClinGen allele CA339424974.

ClinVar aggregate classification (germline): Uncertain significance (1 of 4 stars; one submission).

Conditions:
Autosomal recessive severe congenital neutropenia due to CSF3R deficiency. Also called: Neutropenia, severe congenital, 7, autosomal recessive. Identifiers: Orphanet 420702, MedGen C4310764, MONDO:0014865, OMIM 617014.

Submission:

Labcorp Genetics (formerly Invitae), Labcorp
Classification: Uncertain significance for Autosomal recessive severe congenital neutropenia due to CSF3R deficiency. Last evaluated: 2021-07-09. Review status: criteria provided, single submitter. Criteria: Invitae Variant Classification Sherloc (09022015). Collection method: clinical testing. Allele origin: germline.
Comment: This sequence change replaces glutamic acid with glycine at codon 68 of the CSF3R protein (p.Glu68Gly). The glutamic acid residue is moderately conserved and there is a moderate physicochemical difference between glutamic acid and glycine. This variant is not present in population databases (ExAC no frequency). This variant has not been reported in the literature in individuals affected with CSF3R-related conditions. Algorithms developed to predict the effect of missense changes on protein structure and function output the following: SIFT: "Tolerated"; PolyPhen-2: "Benign"; Align-GVGD: "Class C0". The glycine amino acid residue is found in multiple mammalian species, which suggests that this missense change does not adversely affect protein function. In summary, the available evidence is currently insufficient to determine the role of this variant in disease. Therefore, it has been classified as a Variant of Uncertain Significance.